The following is an entry in ClinVar:

ClinVar aggregate classification (germline): Uncertain significance (1 of 4 stars; one submission).

Submission:

Ambry Genetics
Classification: Uncertain significance. Last evaluated: 2023-08-02. Review status: criteria provided, single submitter. Criteria: Ambry Variant Classification Scheme 2023. Collection method: clinical testing. Allele origin: germline.
Comment: The p.H174L variant (also known as c.521A>T), located in coding exon 5 of the RECQL gene, results from an A to T substitution at nucleotide position 521. The histidine at codon 174 is replaced by leucine, an amino acid with similar properties. This amino acid position is conserved. In addition, this alteration is predicted to be tolerated by in silico analysis. Since supporting evidence is limited at this time, the clinical significance of this alteration remains unclear.

NM_002907.4(RECQL):c.521A>T (p.His174Leu)

Gene: RECQL (RecQ like helicase; minus strand). Cytogenetic location: 12p12.1.
Variant type: single nucleotide variant.
Coding change: c.521A>T on transcript NM_002907.4 (MANE Select); coding-DNA position 521, A replaced by T.
Protein change: p.His174Leu; replaces histidine 174 with leucine.
Molecular consequence: missense variant.
Genome position (GRCh38, 1-based): chr12:21,483,555, T>A on the plus strand (A>T on the coding strand, the complement: RECQL is on the minus strand). VCF-style: chr12-21483555-T-A. GRCh37 (hg19) VCF-style: chr12-21636489-T-A.
Other names: c.521A>T, p.His174Leu (NM_032941.3); short protein forms H174L.
Identifiers: ClinVar variation 2586012 (VCV002586012.2), dbSNP rs768922416, ClinGen allele CA384127972.